The following is an entry in ClinVar:

ClinVar aggregate classification (germline): Benign/Likely benign. Review status: criteria provided, multiple submitters, no conflicts (2 of 4 stars). 3 submissions from 3 submitters: Benign (1); Likely benign (2). Last evaluated 2026-02-02.

Allele frequency attached by ClinVar (database versions not stated): 1000 Genomes Project 30x 0.00734; gnomAD exomes 0.00047 and 0.00135; ExAC 0.00165; gnomAD 0.00534 and 0.00576; TOPMed 0.00574; 1000 Genomes Project 0.00639; ESP Exome Variant Server 0.00702.
gnomAD v4.1: 1,524 of 1,611,372 alleles (0.095%); highest among the groups gnomAD compares: African/African-American, 1.8%; 12 homozygotes.

Submissions (3):

Labcorp Genetics (formerly Invitae), Labcorp
Classification: Benign. Last evaluated: 2026-02-02. Review status: criteria provided, single submitter. Criteria: Invitae Variant Classification Sherloc (09022015). Collection method: clinical testing. Allele origin: germline.

Genomic Medicine Center of Excellence, King Faisal Specialist Hospital and Research Centre
Classification: Likely benign. Last evaluated: 2025-08-18. Review status: criteria provided, single submitter. Criteria: ACMG Guidelines, 2015. Collection method: clinical testing. Allele origin: germline.

Center for Pediatric Genomic Medicine, Children's Mercy Hospital and Clinics
Classification: Likely benign. Last evaluated: 2016-06-14. Review status: criteria provided, single submitter. Criteria: ACMG Guidelines, 2015. Collection method: clinical testing. Allele origin: germline.
ClinVar note: Converted during submission from Likely Benign to Likely benign.

NM_001378457.1(DMXL2):c.2707A>G (p.Asn903Asp)

Gene: DMXL2 (Dmx like 2; minus strand). Cytogenetic location: 15q21.2.
Variant type: single nucleotide variant.
Coding change: c.2707A>G on transcript NM_001378457.1 (MANE Select); coding-DNA position 2707, A replaced by G.
Protein change: p.Asn903Asp; replaces asparagine 903 with aspartic acid.
Molecular consequence: missense variant. On other transcripts: non-coding transcript variant (2).
Genome position (GRCh38, 1-based): chr15:51,507,191, T>C on the plus strand (A>G on the coding strand, the complement: DMXL2 is on the minus strand). VCF-style: chr15-51507191-T-C. GRCh37 (hg19) VCF-style: chr15-51799388-T-C.
Other names: c.2707A>G, p.Asn903Asp (NM_001174116.3, NM_001174117.3, NM_001378458.1 and 6 more transcripts); c.2467A>G, p.Asn823Asp (NM_001378464.1); short protein forms N903D, N823D.
Identifiers: ClinVar variation 377078 (VCV000377078.14), dbSNP rs16953073, ClinGen allele CA7562280.